The following is an entry in ClinVar:

ClinVar aggregate classification (germline): Uncertain significance (1 of 4 stars; one submission).

Allele frequency attached by ClinVar (database versions not stated): ExAC 0.00001.

Submission:

Labcorp Genetics (formerly Invitae), Labcorp
Classification: Uncertain significance. Last evaluated: 2022-07-21. Review status: criteria provided, single submitter. Criteria: Invitae Variant Classification Sherloc (09022015). Collection method: clinical testing. Allele origin: germline.
Comment: This variant has not been reported in the literature in individuals affected with COL18A1-related conditions. In summary, the available evidence is currently insufficient to determine the role of this variant in disease. Therefore, it has been classified as a Variant of Uncertain Significance. Algorithms developed to predict the effect of sequence changes on RNA splicing suggest that this variant may disrupt the consensus splice site. The frequency data for this variant in the population databases is considered unreliable, as metrics indicate poor data quality at this position in the gnomAD database. This sequence change affects codon 215 of the COL18A1 mRNA. It is a 'silent' change, meaning that it does not change the encoded amino acid sequence of the COL18A1 protein. It affects a nucleotide within the consensus splice site. The COL18A1 gene has multiple clinically relevant transcripts. This variant occurs in alternate transcript NM_030582.4, and corresponds to NM_130445.3:c.107-12067A>G in the primary transcript.

NM_001379500.1(COL18A1):c.107-12067A>G

Gene: COL18A1 (collagen type XVIII alpha 1 chain; plus strand). Cytogenetic location: 21q22.3.
Variant type: single nucleotide variant.
Coding change: c.107-12067A>G on transcript NM_001379500.1 (MANE Select); 12067 bases into the intron before coding-DNA position 107, A replaced by G.
Molecular consequence: intron variant. On other transcripts: synonymous variant (2).
Genome position (GRCh38, 1-based): chr21:45,456,175, A>G. VCF-style: chr21-45456175-A-G. GRCh37 (hg19) VCF-style: chr21-46876089-A-G.
Other names: c.645A>G, p.Ser215= (NM_030582.4, NM_130444.3).
Identifiers: ClinVar variation 1970099 (VCV001970099.5), dbSNP rs781289837, ClinGen allele CA10065540.